The following is an entry in ClinVar:

NM_001366722.1(GRIP1):c.1355-10G>T

Gene: GRIP1 (glutamate receptor interacting protein 1; minus strand). Cytogenetic location: 12q14.3.
Variant type: single nucleotide variant.
Coding change: c.1355-10G>T on transcript NM_001366722.1 (MANE Select); 10 bases into the intron before coding-DNA position 1355, G replaced by T.
Molecular consequence: intron variant.
Genome position (GRCh38, 1-based): chr12:66,445,518, C>A on the plus strand (G>T on the coding strand, the complement: GRIP1 is on the minus strand). VCF-style: chr12-66445518-C-A. GRCh37 (hg19) VCF-style: chr12-66839298-C-A.
Other names: c.1199-10G>T (NM_001379351.1, NM_001178074.2, NM_021150.4 and 1 more transcripts); c.1202-10G>T (NM_001379349.1); c.1274-10G>T (NM_001379348.1, NM_001366723.1); c.1277-10G>T (NM_001379347.1, NM_001366724.1); c.1433-10G>T (NM_001379345.1); c.1355-10G>T (NM_001379346.1).
Identifiers: ClinVar variation 2798103 (VCV002798103.5), dbSNP rs776867245, ClinGen allele CA6674391.

ClinVar aggregate classification (germline): Likely benign. Review status: criteria provided, single submitter (1 of 4 stars). 2 submissions from 2 submitters: Likely benign (1). 1 of the submissions does not count toward it. Last evaluated 2024-01-31.

Conditions:
GRIP1-related disorder. Also called: GRIP1-related condition.

Allele frequency attached by ClinVar (database versions not stated): gnomAD 0.00001; TOPMed 0.00001.
gnomAD v4.1: 13 of 1,596,434 alleles (0.00081%); highest among the groups gnomAD compares: East Asian, 0.027%; no homozygotes.

Submissions (2):

Labcorp Genetics (formerly Invitae), Labcorp
Classification: Likely benign. Last evaluated: 2024-01-31. Review status: criteria provided, single submitter. Criteria: Invitae Variant Classification Sherloc (09022015). Collection method: clinical testing. Allele origin: germline.

PreventionGenetics, part of Exact Sciences
Classification: Likely benign for GRIP1-related condition. Last evaluated: 2019-02-18. Review status: no assertion criteria provided. Collection method: clinical testing. Allele origin: germline. Not counted in ClinVar's aggregate classification.
Comment: This variant is classified as likely benign based on ACMG/AMP sequence variant interpretation guidelines (Richards et al. 2015 PMID: 25741868, with internal and published modifications).